The following is an entry in ClinVar:

NM_000574.5(CD55):c.1130T>C (p.Met377Thr)

Gene: CD55 (CD55 molecule (Cromer blood group); plus strand). Cytogenetic location: 1q32.2.
Variant type: single nucleotide variant.
Coding change: c.1130T>C on transcript NM_000574.5 (MANE Select); coding-DNA position 1130, T replaced by C.
Protein change: p.Met377Thr; replaces methionine 377 with threonine.
Molecular consequence: missense variant. On other transcripts: synonymous variant (2), 3 prime UTR variant (1), non-coding transcript variant (1).
Genome position (GRCh38, 1-based): chr1:207,359,594, T>C. VCF-style: chr1-207359594-T-C. GRCh37 (hg19) VCF-style: chr1-207532939-T-C.
Other names: c.1248T>C, p.His416= (NM_001114752.3); c.1245T>C, p.His415= (NM_001300903.2); c.*68T>C (NM_001300904.2); short protein forms M377T.
Identifiers: ClinVar variation 1922250 (VCV001922250.4), dbSNP rs770708482, ClinGen allele CA1368293.

ClinVar aggregate classification (germline): Uncertain significance. Review status: criteria provided, multiple submitters, no conflicts (2 of 4 stars). 2 submissions from 2 submitters: Uncertain significance (2). Last evaluated 2024-10-29.

Conditions:
Inborn genetic diseases. Identifiers: MedGen C0950123, MeSH D030342.

Allele frequency attached by ClinVar (database versions not stated): gnomAD exomes 0.00001; ExAC 0.00002.
gnomAD v4.1: 8 of 1,595,192 alleles (0.0005%); highest among the groups gnomAD compares: South Asian, 0.0068%; no homozygotes.

Submissions (2):

Labcorp Genetics (formerly Invitae), Labcorp
Classification: Uncertain significance. Last evaluated: 2024-10-29. Review status: criteria provided, single submitter. Criteria: Invitae Variant Classification Sherloc (09022015). Collection method: clinical testing. Allele origin: germline.
Comment: This sequence change replaces methionine, which is neutral and non-polar, with threonine, which is neutral and polar, at codon 377 of the CD55 protein (p.Met377Thr). This variant is present in population databases (rs770708482, gnomAD 0.007%). This variant has not been reported in the literature in individuals affected with CD55-related conditions. ClinVar contains an entry for this variant (Variation ID: 1922250). Experimental studies and prediction algorithms are not available or were not evaluated, and the functional significance of this variant is currently unknown. In summary, the available evidence is currently insufficient to determine the role of this variant in disease. Therefore, it has been classified as a Variant of Uncertain Significance.

Ambry Genetics
Classification: Uncertain significance for Inborn genetic diseases. Last evaluated: 2021-08-02. Review status: criteria provided, single submitter. Criteria: Ambry Variant Classification Scheme 2023. Collection method: clinical testing. Allele origin: germline.